The following is an entry in ClinVar:

ClinVar aggregate classification (germline): Likely pathogenic (1 of 4 stars; one submission).

Conditions:
TNFAIP3-related disorder. Also called: TNFAIP3-related condition.

Submission:

PreventionGenetics, part of Exact Sciences
Classification: Likely pathogenic for TNFAIP3-related condition. Last evaluated: 2025-10-13. Review status: criteria provided, single submitter. Criteria: ACMG Guidelines, 2015. Collection method: clinical testing. Allele origin: germline.
Comment: The TNFAIP3 c.1760dupC variant is predicted to result in a frameshift and premature protein termination (p.Ala588Cysfs*84). This variant has been reported in an affected family with incomplete penetrance (Li et al. 2021. PubMed ID: 33337996). This variant has not been reported in a large population database (gnomAD), indicating this variant is rare. Frameshift variants in TNFAIP3 are expected to be pathogenic. This variant is interpreted as likely pathogenic.

NM_001270508.2(TNFAIP3):c.1760dup (p.Ala588fs)

Gene: TNFAIP3 (TNF alpha induced protein 3; plus strand). Cytogenetic location: 6q23.3.
Variant type: Duplication.
Coding change: c.1760dup on transcript NM_001270508.2 (MANE Select); coding-DNA position 1760, one base duplicated (C; older notation c.1760dupC).
Protein change: p.Ala588fs; shifts the reading frame from alanine 588.
Molecular consequence: frameshift variant.
Genome position (GRCh38, 1-based): chr6:137,879,205, C duplicated; the last of 4 consecutive C bases (chr6:137,879,202-137,879,205); duplicating any one gives the same sequence. VCF-style (leftmost placement, unchanged base first): chr6-137879201-G-GC. GRCh37 (hg19) VCF-style: chr6-138200338-G-GC.
Other names: c.1760dup, p.Ala588fs (NM_001270507.2, NM_006290.4); short protein forms A588fs.
Identifiers: ClinVar variation 4992876 (VCV004992876.1).
Genomic context (GRCh38, chr6:137,879,201, plus strand): 5'-GATCCCTCGCGGCTCGTCCGGAGCCCCTCCCCGCATTCTTGCCACAGAGCTGGAAACGAC[G>GC]CCCCTGCTGGCTGCCTGTCTCAAGCTGCACGGACTCCTGGGGACAGGACGGGGACGAGCA-3'